The following is an entry in ClinVar:

NM_002579.3(PALM):c.691G>A (p.Glu231Lys)

Gene: PALM (paralemmin; plus strand). Cytogenetic location: 19p13.3.
Variant type: single nucleotide variant.
Coding change: c.691G>A on transcript NM_002579.3 (MANE Select); coding-DNA position 691, G replaced by A.
Protein change: p.Glu231Lys; replaces glutamic acid 231 with lysine.
Molecular consequence: missense variant.
Genome position (GRCh38, 1-based): chr19:746,341, G>A. VCF-style: chr19-746341-G-A. GRCh37 (hg19) VCF-style: chr19-746341-G-A.
Other names: c.691G>A (NM_002579.2); c.559G>A, p.Glu187Lys (NM_001040134.2); short protein forms E187K, E231K.
Identifiers: ClinVar variation 2962481 (VCV002962481.4), dbSNP rs1285649244, ClinGen allele CA402890165.

ClinVar aggregate classification (germline): Uncertain significance. Review status: criteria provided, multiple submitters, no conflicts (2 of 4 stars). 2 submissions from 2 submitters: Uncertain significance (2). Last evaluated 2024-11-10.

Allele frequency attached by ClinVar (database versions not stated): gnomAD 0.00001; gnomAD exomes 0.00001; TOPMed 0.00001.
gnomAD v4.1: 17 of 1,613,102 alleles (0.0011%); highest among the groups gnomAD compares: East Asian, 0.0067%; no homozygotes.

Submissions (2):

Ambry Genetics
Classification: Uncertain significance. Last evaluated: 2024-11-10. Review status: criteria provided, single submitter. Criteria: Ambry Variant Classification Scheme 2023. Collection method: clinical testing. Allele origin: germline.

Labcorp Genetics (formerly Invitae), Labcorp
Classification: Uncertain significance. Last evaluated: 2024-07-17. Review status: criteria provided, single submitter. Criteria: Invitae Variant Classification Sherloc (09022015). Collection method: clinical testing. Allele origin: germline.
Comment: This sequence change replaces glutamic acid, which is acidic and polar, with lysine, which is basic and polar, at codon 231 of the PALM protein (p.Glu231Lys). This variant is present in population databases (no rsID available, gnomAD 0.006%). This variant has not been reported in the literature in individuals affected with PALM-related conditions. An algorithm developed to predict the effect of missense changes on protein structure and function (PolyPhen-2) suggests that this variant is likely to be disruptive. In summary, the available evidence is currently insufficient to determine the role of this variant in disease. Therefore, it has been classified as a Variant of Uncertain Significance.